The following is an entry in ClinVar:

NR_001566.3(TERC):n.392CG[3]

Gene: TERC (telomerase RNA component; minus strand). Cytogenetic location: 3q26.2.
Variant type: Microsatellite.
Molecular consequence: non-coding transcript variant (on NR_001566.3).
Genome position: GRCh38 VCF-style: chr3-169764661-CCG-C. GRCh37 (hg19) VCF-style: chr3-169482449-CCG-C.
Identifiers: ClinVar variation 3363972 (VCV003363972.1).

ClinVar aggregate classification (germline): Uncertain significance (1 of 4 stars; one submission).

Submission:

GeneDx
Classification: Uncertain significance. Last evaluated: 2023-11-10. Review status: criteria provided, single submitter. Criteria: GeneDx Variant Classification Process June 2021. Collection method: clinical testing. Allele origin: germline. Affected: yes.
Comment: Not observed at significant frequency in large population cohorts (gnomAD); Has not been previously published as pathogenic or benign to our knowledge; Located in a loop of the TERC non-coding RNA; Located at a position that is not conserved across species